The following is an entry in ClinVar:

ClinVar aggregate classification (germline): Likely benign. Review status: criteria provided, multiple submitters, no conflicts (2 of 4 stars). 2 submissions from 2 submitters: Likely benign (2). Last evaluated 2025-04-28.

Conditions:
Familial adenomatous polyposis 1 (FAP1). Also called: FAMILIAL ADENOMATOUS POLYPOSIS 1, ATTENUATED; POLYPOSIS, ADENOMATOUS INTESTINAL. Identifiers: MedGen C2713442, MONDO:0021056, OMIM 175100. Disease mechanism: loss of function.

Allele frequency attached by ClinVar (database versions not stated): ExAC 0.00001; gnomAD exomes 0.00001.
gnomAD v4.1: 9 of 1,603,394 alleles (0.00056%); highest among the groups gnomAD compares: East Asian, 0.011%; no homozygotes.

Submissions (2):

Labcorp Genetics (formerly Invitae), Labcorp
Classification: Likely benign for Familial adenomatous polyposis 1. Last evaluated: 2025-04-28. Review status: criteria provided, single submitter. Criteria: Invitae Variant Classification Sherloc (09022015). Collection method: clinical testing. Allele origin: germline.

Myriad Genetics, Inc.
Classification: Likely benign for Familial adenomatous polyposis 1. Last evaluated: 2024-02-29. Review status: criteria provided, single submitter. Criteria: Myriad Autosomal Dominant, Autosomal Recessive and X-Linked Classification Criteria (2023). Collection method: clinical testing. Allele origin: unknown.
Comment: This variant is considered likely benign. This variant is intronic and is not expected to impact mRNA splicing.

NM_000038.6(APC):c.933+10G>C

Gene: APC (APC regulator of Wnt signaling pathway; plus strand). Cytogenetic location: 5q22.2.
Variant type: single nucleotide variant.
Coding change: c.933+10G>C on transcript NM_000038.6 (MANE Select); 10 bases into the intron after coding-DNA position 933, G replaced by C.
Molecular consequence: intron variant.
Genome position (GRCh38, 1-based): chr5:112,815,603, G>C. VCF-style: chr5-112815603-G-C. GRCh37 (hg19) VCF-style: chr5-112151300-G-C.
Other names: c.933+10G>C (NM_001354895.2, NM_001127510.3, NM_001354896.2 and 1 more transcripts); c.963+10G>C (NM_001354897.2, NM_001354902.2); c.879+10G>C (NM_001127511.3); c.858+10G>C (NM_001354898.2, NM_001354904.2); c.84+10G>C (NM_001354906.2); c.849+10G>C (NM_001354899.2); c.756+10G>C (NM_001354900.2, NM_001354901.2, NM_001354905.2).
Identifiers: ClinVar variation 1911509 (VCV001911509.6), dbSNP rs749008865, ClinGen allele CA051123.